The following is an entry in ClinVar:

ClinVar aggregate classification (germline): Uncertain significance. Review status: criteria provided, multiple submitters, no conflicts (2 of 4 stars). 2 submissions from 2 submitters: Uncertain significance (2). Last evaluated 2023-05-25.

Conditions:
POLD1-related polyposis and colorectal cancer syndrome (CRCS10). Also called: Colorectal cancer 10; COLORECTAL CANCER, SUSCEPTIBILITY TO, ON CHROMOSOME 19q; Colorectal cancer, susceptibility to, 10. Identifiers: Orphanet 220460, MedGen C2675481, MONDO:0012953, OMIM 612591.

Submissions (2):

GeneDx
Classification: Uncertain significance. Last evaluated: 2023-05-25. Review status: criteria provided, single submitter. Criteria: GeneDx Variant Classification Process June 2021. Collection method: clinical testing. Allele origin: germline. Affected: yes.
Comment: Not observed at significant frequency in large population cohorts (gnomAD); In silico analysis supports that this missense variant has a deleterious effect on protein structure/function; Has not been previously published as pathogenic or benign to our knowledge; This variant is associated with the following publications: (PMID: 20951805)

Labcorp Genetics (formerly Invitae), Labcorp
Classification: Uncertain significance for POLD1-related polyposis and colorectal cancer syndrome. Last evaluated: 2019-03-05. Review status: criteria provided, single submitter. Criteria: Invitae Variant Classification Sherloc (09022015). Collection method: clinical testing. Allele origin: germline.
Comment: This sequence change replaces glycine with arginine at codon 592 of the POLD1 protein (p.Gly592Arg). The glycine residue is highly conserved and there is a moderate physicochemical difference between glycine and arginine. This variant is not present in population databases (ExAC no frequency). This variant has not been reported in the literature in individuals with POLD1-related conditions. ClinVar contains an entry for this variant (Variation ID: 568897). Algorithms developed to predict the effect of missense changes on protein structure and function (SIFT, PolyPhen-2, Align-GVGD) all suggest that this variant is likely to be disruptive, but these predictions have not been confirmed by published functional studies and their clinical significance is uncertain. In summary, the available evidence is currently insufficient to determine the role of this variant in disease. Therefore, it has been classified as a Variant of Uncertain Significance.

NM_002691.4(POLD1):c.1774G>C (p.Gly592Arg)

Gene: POLD1 (DNA polymerase delta 1, catalytic subunit; plus strand). Cytogenetic location: 19q13.33.
Variant type: single nucleotide variant.
Coding change: c.1774G>C on transcript NM_002691.4 (MANE Select); coding-DNA position 1774, G replaced by C.
Protein change: p.Gly592Arg; replaces glycine 592 with arginine.
Molecular consequence: missense variant. On other transcripts: non-coding transcript variant (1).
Genome position (GRCh38, 1-based): chr19:50,407,414, G>C. VCF-style: chr19-50407414-G-C. GRCh37 (hg19) VCF-style: chr19-50910671-G-C.
Other names: c.1774G>C, p.Gly592Arg (NM_001256849.1, NM_001308632.1); short protein forms G592R.
Identifiers: ClinVar variation 568897 (VCV000568897.11), dbSNP rs1568628557, ClinGen allele CA406981417.
Genomic context (GRCh38, chr19:50,407,414, plus strand): 5'-GTGGTGAAGTCAGAGGGCGGCGAGGACTACACGGGAGCCACTGTCATCGAGCCCCTCAAA[G>C]GGTGAGGCCCCAGGCTGGGTGCAGTTTTTACCTGTAATCTCTGGGAGGCTGAGGTGGGAG-3'
Protein context (NP_002682.2, residues 582-602): TGATVIEPLK[Gly592Arg]YYDVPIATLD